The following is an entry in ClinVar:

NM_001323289.2(CDKL5):c.964dup (p.Thr322fs)

Gene: CDKL5 (cyclin dependent kinase like 5; plus strand). Cytogenetic location: Xp22.13.
Variant type: Duplication.
Coding change: c.964dup on transcript NM_001323289.2 (MANE Select); coding-DNA position 964, one base duplicated (A; older notation c.964dupA).
Protein change: p.Thr322fs; shifts the reading frame from threonine 322.
Molecular consequence: frameshift variant.
Genome position (GRCh38, 1-based): chrX:18,598,600, A duplicated. VCF-style (leftmost placement, unchanged base first): chrX-18598599-C-CA. GRCh37 (hg19) VCF-style: chrX-18616719-C-CA.
Other names: NM_001323289.2(CDKL5):c.964dup; p.Thr322fs; c.964dup, p.Thr322fs (NM_001037343.2, NM_003159.3); c.964dupA (NM_003159.2); short protein forms T322fs.
Identifiers: ClinVar variation 143840 (VCV000143840.4), dbSNP rs267608552, ClinGen allele CA170510.
Genomic context (GRCh38, chrX:18,598,599, plus strand): 5'-ACTTCTGGATCGTTCTCCTTCAAGGTCAGCAAAAAGAAAACCTTACCATGTGGAAAGCAG[C>CA]ACATTGTCTAATAGGTAAATATTCCCTTTTAAGGAAATACAGATGCAGTGTTGGTCTTAC-3'

ClinVar aggregate classification (germline): Likely pathogenic. Review status: criteria provided, single submitter (1 of 4 stars). 2 submissions from 2 submitters: Likely pathogenic (1). 1 of the submissions does not count toward it. Last evaluated 2024-09-09.

Conditions:
CDKL5 disorder. Identifiers: MedGen CN296942, MONDO:0100039.
Developmental and epileptic encephalopathy, 2 (DEE2). Also called: INFANTILE SPASM SYNDROME, X-LINKED 2; CDKL5 deficiency disorder. Identifiers: Orphanet 1934, Orphanet 3451, Orphanet 505652, MedGen C4750718, MONDO:0010396, OMIM 300672.

Submissions (2):

Centre for Population Genomics, CPG
Classification: Likely pathogenic for CDKL5 disorder. Last evaluated: 2024-09-09. Review status: criteria provided, single submitter. Criteria: McKnight et al. (Hum Mutat. 2022). Collection method: curation. Allele origin: germline. Inheritance: X-linked inheritance.
Comment: This variant has been collected from RettBASE and curated to current modified ACMG/AMP criteria. Based on the classification scheme defined by the ClinGen Rett/Angelman-like Expert Panel for Rett/AS-like Disorders Specifications to the ACMG/AMP Variant Interpretation Guidelines VCEP 3.0, this variant is classified as X. At least the following criteria are met: Predicted to result in loss of function, and LOF is a known mechanism of disease (PVS1). This variant is absent from gnomAD (PM2_Supporting). Has been observed in at least 1 individual with phenotypes consistent with CDKL5 disorder (PMID: 19780792).

RettBASE
Classification: Pathogenic for Epileptic encephalopathy, early infantile, 2. Last evaluated: 2014-03-13. Review status: no assertion criteria provided. Collection method: curation. Allele origin: unknown. Affected: yes. Observed: 1 variant allele. Not counted in ClinVar's aggregate classification.

Literature cited by the submitters: PubMed 19780792 (cited by RettBASE).